The following is an entry in ClinVar:

NM_005045.4(RELN):c.3609G>A (p.Val1203=)

Gene: RELN (reelin; minus strand). Cytogenetic location: 7q22.1.
Variant type: single nucleotide variant.
Coding change: c.3609G>A on transcript NM_005045.4 (MANE Select); coding-DNA position 3609, G replaced by A.
Protein change: p.Val1203=; no amino-acid change (valine 1203 retained).
Molecular consequence: synonymous variant.
Genome position (GRCh38, 1-based): chr7:103,594,423, C>T on the plus strand (G>A on the coding strand, the complement: RELN is on the minus strand). VCF-style: chr7-103594423-C-T. GRCh37 (hg19) VCF-style: chr7-103234870-C-T.
Other names: c.3609G>A, p.Val1203= (NM_173054.3).
Identifiers: ClinVar variation 1879698 (VCV001879698.29), dbSNP rs2117250292, ClinGen allele CA457024920.

ClinVar aggregate classification (germline): Likely benign (1 of 4 stars; one submission).

Allele frequency attached by ClinVar (database versions not stated): gnomAD exomes below 0.00001.
gnomAD v4.1: 1 of 1,614,014 alleles (0.000062%); highest among the groups gnomAD compares: Non-Finnish European, 0.000085%; no homozygotes.

Submission:

CeGaT Center for Human Genetics Tuebingen
Classification: Likely benign. Last evaluated: 2022-10-01. Review status: criteria provided, single submitter. Criteria: CeGaT Center For Human Genetics Tuebingen Variant Classification Criteria Version 2. Collection method: clinical testing. Allele origin: germline. Affected: yes. Observed: 1 variant allele.
Comment: RELN: PM2:Supporting, BP4, BP7